The following is an entry in ClinVar:

ClinVar aggregate classification (germline): Likely benign. Review status: criteria provided, single submitter (1 of 4 stars). 2 submissions from 2 submitters: Likely benign (1). 1 of the submissions does not count toward it. Last evaluated 2024-02-20.

Conditions:
GRK1-related disorder. Also called: GRK1-related condition.

Allele frequency attached by ClinVar (database versions not stated): gnomAD exomes 0.00004; ExAC 0.00127; gnomAD 0.00137; 1000 Genomes Project 30x 0.00141; ESP Exome Variant Server 0.00307; TOPMed 0.00499; 1000 Genomes Project 0.00619.
gnomAD v4.1: 228 of 700,196 alleles (0.033%); highest among the groups gnomAD compares: African/African-American, 0.37%; 4 homozygotes.

Submissions (2):

Blueprint Genetics
Classification: Likely benign. Last evaluated: 2024-02-20. Review status: criteria provided, single submitter. Criteria: ACMG Guidelines, 2015. Collection method: clinical testing. Allele origin: germline.

PreventionGenetics, part of Exact Sciences
Classification: Likely benign for GRK1-related condition. Last evaluated: 2019-08-13. Review status: no assertion criteria provided. Collection method: clinical testing. Allele origin: germline. Not counted in ClinVar's aggregate classification.
Comment: This variant is classified as likely benign based on ACMG/AMP sequence variant interpretation guidelines (Richards et al. 2015 PMID: 25741868, with internal and published modifications).

NM_002929.3(GRK1):c.1050G>A (p.Lys350=)

Gene: GRK1 (G protein-coupled receptor kinase 1; plus strand). Cytogenetic location: 13q34.
Variant type: single nucleotide variant.
Coding change: c.1050G>A on transcript NM_002929.3 (MANE Select); coding-DNA position 1050, G replaced by A.
Protein change: p.Lys350=; no amino-acid change (lysine 350 retained).
Molecular consequence: synonymous variant.
Genome position (GRCh38, 1-based): chr13:113,723,138, G>A. VCF-style: chr13-113723138-G-A. GRCh37 (hg19) VCF-style: chr13-114426111-G-A.
Identifiers: ClinVar variation 3035717 (VCV003035717.3), dbSNP rs141488419, ClinGen allele CA7066293.